The following is an entry in ClinVar:

ClinVar aggregate classification (germline): Likely benign. Review status: criteria provided, multiple submitters, no conflicts (2 of 4 stars). 5 submissions from 5 submitters: Likely benign (5). Last evaluated 2025-06-18.

Conditions:
Aortic aneurysm, familial thoracic 4 (AAT4). Also called: AORTIC ANEURYSM/AORTIC DISSECTION AND PATENT DUCTUS ARTERIOSUS. Identifiers: MedGen C1851504, MONDO:0007568, OMIM 132900.
Familial thoracic aortic aneurysm and aortic dissection (TAAD). Also called: Thoracic aortic aneurysms and dissections. Identifiers: Orphanet 91387, MedGen C4707243, MONDO:0019625.

gnomAD v4.1: 25 of 1,613,804 alleles (0.0015%); highest among the groups gnomAD compares: Non-Finnish European, 0.0019%; no homozygotes.

Submissions (5):

Labcorp Genetics (formerly Invitae), Labcorp
Classification: Likely benign for Aortic aneurysm, familial thoracic 4. Last evaluated: 2025-06-18. Review status: criteria provided, single submitter. Criteria: Invitae Variant Classification Sherloc (09022015). Collection method: clinical testing. Allele origin: germline.

All of Us Research Program, National Institutes of Health
Classification: Likely benign for Familial thoracic aortic aneurysm and aortic dissection. Last evaluated: 2024-04-16. Review status: criteria provided, single submitter. Criteria: ACMG Guidelines, 2015. Collection method: clinical testing. Allele origin: germline. Inheritance: Autosomal dominant inheritance. Observed: 1 variant allele, 1 heterozygote.
Comment: This study involves interpretation of variants in research participants for the purpose of population health screening. Participant phenotype was not available at the time of variant classification. Additional details can be found in publication PMID: 35346344, PMCID: PMC8962531

Ambry Genetics
Classification: Likely benign for Familial thoracic aortic aneurysm and aortic dissection. Last evaluated: 2023-11-10. Review status: criteria provided, single submitter. Criteria: Ambry Variant Classification Scheme 2023. Collection method: clinical testing. Allele origin: germline.

Color Diagnostics, LLC DBA Color Health
Classification: Likely benign for Familial thoracic aortic aneurysm and aortic dissection. Last evaluated: 2018-11-09. Review status: criteria provided, single submitter. Criteria: ACMG Guidelines, 2015. Collection method: clinical testing. Allele origin: germline.

GeneDx
Classification: Likely benign. Last evaluated: 2018-01-19. Review status: criteria provided, single submitter. Criteria: GeneDx Variant Classification (06012015). Collection method: clinical testing. Allele origin: germline. Affected: yes.
Comment: This variant is considered likely benign or benign based on one or more of the following criteria: it is a conservative change, it occurs at a poorly conserved position in the protein, it is predicted to be benign by multiple in silico algorithms, and/or has population frequency not consistent with disease.

NM_002474.3(MYH11):c.4242T>A (p.Ala1414=)

Genes: MYH11 (myosin heavy chain 11; minus strand), NDE1 (nudE neurodevelopment protein 1; plus strand). Cytogenetic location: 16p13.11.
Variant type: single nucleotide variant.
Coding change: c.4242T>A on transcript NM_002474.3 (MANE Select); coding-DNA position 4242, T replaced by A.
Protein change: p.Ala1414=; no amino-acid change (alanine 1414 retained).
Molecular consequence: synonymous variant. On other transcripts: 3 prime UTR variant (2).
Genome position (GRCh38, 1-based): chr16:15,724,284, A>T on the plus strand (T>A on the coding strand, the complement: MYH11 is on the minus strand). VCF-style: chr16-15724284-A-T. GRCh37 (hg19) VCF-style: chr16-15818141-A-T.
Other names: c.4263T>A, p.Ala1421= (NM_001040113.2, NM_001040114.2); c.4242T>A, p.Ala1414= (NM_022844.3); c.*33A>T (NM_001143979.2, NM_017668.3).
Identifiers: ClinVar variation 514718 (VCV000514718.6), dbSNP rs2075511, ClinGen allele CA7921727.